The following is an entry in ClinVar:

ClinVar aggregate classification (germline): Likely benign. Review status: criteria provided, multiple submitters, no conflicts (2 of 4 stars). 4 submissions from 4 submitters: Likely benign (4). Last evaluated 2025-02-17.

Conditions:
Cardiovascular phenotype. Identifiers: MedGen CN230736.
Osteogenesis imperfecta type I (OI1). Also called: Lobstein's Disease; OI, TYPE I; OSTEOGENESIS IMPERFECTA TARDA; OSTEOGENESIS IMPERFECTA WITH BLUE SCLERAE; Classic Non-deforming Osteogenesis Imperfecta with Blue Sclerae; Lobstein disease. Identifiers: Orphanet 216796, Orphanet 666, MedGen C0023931, MONDO:0008146, OMIM 166200. Disease mechanism: loss of function.

Allele frequency attached by ClinVar (database versions not stated): gnomAD 0.00002; TOPMed 0.00002; gnomAD exomes 0.00003; ExAC 0.00004.
gnomAD v4.1: 15 of 1,613,910 alleles (0.00093%); highest among the groups gnomAD compares: Admixed American, 0.0033%; no homozygotes.

Submissions (4):

Labcorp Genetics (formerly Invitae), Labcorp
Classification: Likely benign for Osteogenesis imperfecta type I. Last evaluated: 2025-02-17. Review status: criteria provided, single submitter. Criteria: Invitae Variant Classification Sherloc (09022015). Collection method: clinical testing. Allele origin: germline.

Ambry Genetics
Classification: Likely benign for Cardiovascular phenotype. Last evaluated: 2022-08-22. Review status: criteria provided, single submitter. Criteria: Ambry Variant Classification Scheme 2023. Collection method: clinical testing. Allele origin: germline.

Blueprint Genetics
Classification: Likely benign. Last evaluated: 2022-08-02. Review status: criteria provided, single submitter. Criteria: ACMG Guidelines, 2015. Collection method: clinical testing. Allele origin: germline.

GeneDx
Classification: Likely benign. Last evaluated: 2017-10-18. Review status: criteria provided, single submitter. Criteria: GeneDx Variant Classification (06012015). Collection method: clinical testing. Allele origin: germline. Affected: yes.
Comment: This variant is considered likely benign or benign based on one or more of the following criteria: it is a conservative change, it occurs at a poorly conserved position in the protein, it is predicted to be benign by multiple in silico algorithms, and/or has population frequency not consistent with disease.

NM_000088.4(COL1A1):c.3687C>T (p.Leu1229=)

Gene: COL1A1 (collagen type I alpha 1 chain; minus strand). Cytogenetic location: 17q21.33.
Variant type: single nucleotide variant.
Coding change: c.3687C>T on transcript NM_000088.4 (MANE Select); coding-DNA position 3687, C replaced by T.
Protein change: p.Leu1229=; no amino-acid change (leucine 1229 retained).
Molecular consequence: synonymous variant.
Genome position (GRCh38, 1-based): chr17:50,186,767, G>A on the plus strand (C>T on the coding strand, the complement: COL1A1 is on the minus strand). VCF-style: chr17-50186767-G-A. GRCh37 (hg19) VCF-style: chr17-48264128-G-A.
Identifiers: ClinVar variation 512808 (VCV000512808.7), dbSNP rs765353412, ClinGen allele CA8644375.
Genomic context (GRCh38, chr17:50,186,767, plus strand): 5'-CTCTGGGCTCCGGATGTTCTCGATCTGCTGGCTCAGGCTCTTGAGGGTGGTGTCCACCTC[G>A]AGGTCACGGTCACGAACCACATTGGCATCATCAGCCCGGTAGTAGCGGCCACCATCGTGA-3'
Protein context (NP_000079.2, residues 1219-1239): DDANVVRDRD[Leu1229=]EVDTTLKSLS